The following is an entry in ClinVar:

NM_002907.4(RECQL):c.1396T>C (p.Trp466Arg)

Gene: RECQL (RecQ like helicase; minus strand). Cytogenetic location: 12p12.1.
Variant type: single nucleotide variant.
Coding change: c.1396T>C on transcript NM_002907.4 (MANE Select); coding-DNA position 1396, T replaced by C.
Protein change: p.Trp466Arg; replaces tryptophan 466 with arginine.
Molecular consequence: missense variant.
Genome position (GRCh38, 1-based): chr12:21,473,602, A>G on the plus strand (T>C on the coding strand, the complement: RECQL is on the minus strand). VCF-style: chr12-21473602-A-G. GRCh37 (hg19) VCF-style: chr12-21626536-A-G.
Other names: c.1396T>C, p.Trp466Arg (NM_032941.3); short protein forms W466R.
Identifiers: ClinVar variation 3431830 (VCV003431830.1).

ClinVar aggregate classification (germline): Uncertain significance (1 of 4 stars; one submission).

Submission:

Ambry Genetics
Classification: Uncertain significance. Last evaluated: 2024-11-25. Review status: criteria provided, single submitter. Criteria: Ambry Variant Classification Scheme 2023. Collection method: clinical testing. Allele origin: germline.
Comment: The p.W466R variant (also known as c.1396T>C), located in coding exon 11 of the RECQL gene, results from a T to C substitution at nucleotide position 1396. The tryptophan at codon 466 is replaced by arginine, an amino acid with dissimilar properties. This amino acid position is conserved. In addition, the in silico prediction for this alteration is inconclusive. Based on the available evidence, the clinical significance of this variant remains unclear.